The following is an entry in ClinVar:

ClinVar aggregate classification (germline): Pathogenic (1 of 4 stars; one submission).

Conditions:
Hereditary spastic paraplegia 4. Also called: Spastic paraplegia 4, autosomal dominant; Spastic Paraplegia 4; Familial spastic paraplegia autosomal dominant 2. Identifiers: Orphanet 100985, MedGen C1866855, MONDO:0008438, OMIM 182601.

Submission:

Labcorp Genetics (formerly Invitae), Labcorp
Classification: Pathogenic for Hereditary spastic paraplegia 4. Last evaluated: 2018-08-02. Review status: criteria provided, single submitter. Criteria: Invitae Variant Classification Sherloc (09022015). Collection method: clinical testing. Allele origin: germline.
Comment: This variant has not been reported in the literature in individuals with SPAST-related disease. Loss-of-function variants in SPAST are known to be pathogenic (PMID: 20932283). For these reasons, this variant has been classified as Pathogenic. This variant is not present in population databases (ExAC no frequency). This sequence change creates a premature translational stop signal (p.Pro528Hisfs*2) in the SPAST gene. It is expected to result in an absent or disrupted protein product.

Literature cited by the submitters: PubMed 20932283.

NM_014946.4(SPAST):c.1583del (p.Pro528fs)

Gene: SPAST (spastin; plus strand). Cytogenetic location: 2p22.3.
Variant type: Deletion.
Coding change: c.1583del on transcript NM_014946.4 (MANE Select); coding-DNA position 1583, one base deleted (C; older notation c.1583delC).
Protein change: p.Pro528fs; shifts the reading frame from proline 528.
Molecular consequence: frameshift variant.
Genome position (GRCh38, 1-based): chr2:32,143,382, C deleted; the last of 2 consecutive C bases (chr2:32,143,381-32,143,382); deleting either gives the same sequence. VCF-style (leftmost placement, unchanged base first): chr2-32143380-TC-T. GRCh37 (hg19) VCF-style: chr2-32368449-TC-T.
Other names: c.1583delC (NM_014946.3); c.1580del, p.Pro527fs (NM_001363823.2); c.1484del, p.Pro495fs (NM_001363875.2); c.1487del, p.Pro496fs (NM_001377959.1, NM_199436.2); short protein forms P527fs, P528fs, P495fs, P496fs.
Identifiers: ClinVar variation 662756 (VCV000662756.6), dbSNP rs1573167562, ClinGen allele CA915943729.
Genomic context (GRCh38, chr2:32,143,380, plus strand): 5'-TTTTAATATTTTTCAGACAAGACTACTTTTGCTTAAAAATCTGTTATGTAAACAAGGAAG[TC>T]CATTGACCCAAAAAGAACTAGCACAACTTGCTAGGTGAGTAATTTGGATTTGGTTTATCT-3'